The following is an entry in ClinVar:

ClinVar aggregate classification (germline): Uncertain significance (1 of 4 stars; one submission).

gnomAD v4.1: 1 of 1,562,706 alleles (0.000064%); highest among the groups gnomAD compares: Non-Finnish European, 0.000088%; no homozygotes.

Submission:

Labcorp Genetics (formerly Invitae), Labcorp
Classification: Uncertain significance. Last evaluated: 2023-12-18. Review status: criteria provided, single submitter. Criteria: Invitae Variant Classification Sherloc (09022015). Collection method: clinical testing. Allele origin: germline.
Comment: This sequence change replaces aspartic acid, which is acidic and polar, with glycine, which is neutral and non-polar, at codon 155 of the GINS1 protein (p.Asp155Gly). This variant is not present in population databases (gnomAD no frequency). This variant has not been reported in the literature in individuals affected with GINS1-related conditions. ClinVar contains an entry for this variant (Variation ID: 1480336). An algorithm developed to predict the effect of missense changes on protein structure and function (PolyPhen-2) suggests that this variant is likely to be disruptive. In summary, the available evidence is currently insufficient to determine the role of this variant in disease. Therefore, it has been classified as a Variant of Uncertain Significance.

NM_021067.5(GINS1):c.464A>G (p.Asp155Gly)

Gene: GINS1 (GINS complex subunit 1; plus strand). Cytogenetic location: 20p11.21.
Variant type: single nucleotide variant.
Coding change: c.464A>G on transcript NM_021067.5 (MANE Select); coding-DNA position 464, A replaced by G.
Protein change: p.Asp155Gly; replaces aspartic acid 155 with glycine.
Molecular consequence: missense variant. On other transcripts: non-coding transcript variant (1).
Genome position (GRCh38, 1-based): chr20:25,441,718, A>G. VCF-style: chr20-25441718-A-G. GRCh37 (hg19) VCF-style: chr20-25422354-A-G.
Other names: short protein forms D155G.
Identifiers: ClinVar variation 1480336 (VCV001480336.6), dbSNP rs2146223886, ClinGen allele CA408450677.